The following is an entry in ClinVar:

ClinVar aggregate classification (germline): Likely benign. Review status: criteria provided, multiple submitters, no conflicts (2 of 4 stars). 3 submissions from 3 submitters: Likely benign (3). Last evaluated 2026-03-23.

Conditions:
ABCC6-related disorder. Also called: ABCC6-related condition.

Allele frequency attached by ClinVar (database versions not stated): gnomAD exomes 0.00005 and 0.00006; TOPMed 0.00005; ExAC 0.00008; gnomAD 0.00004 and 0.00005.
gnomAD v4.1: 72 of 1,612,584 alleles (0.0045%); highest among the groups gnomAD compares: Middle Eastern, 0.05%; 2 homozygotes.

Submissions (3):

PreventionGenetics, part of Exact Sciences
Classification: Likely benign for ABCC6-related condition. Last evaluated: 2026-03-23. Review status: criteria provided, single submitter. Criteria: ACMG Guidelines, 2015. Collection method: clinical testing. Allele origin: germline.
Comment: This variant is classified as likely benign based on ACMG/AMP sequence variant interpretation guidelines (Richards et al. 2015 PMID: 25741868, with internal and published modifications).

Labcorp Genetics (formerly Invitae), Labcorp
Classification: Likely benign. Last evaluated: 2026-01-20. Review status: criteria provided, single submitter. Criteria: Invitae Variant Classification Sherloc (09022015). Collection method: clinical testing. Allele origin: germline.

Blueprint Genetics
Classification: Likely benign. Last evaluated: 2024-05-29. Review status: criteria provided, single submitter. Criteria: ACMG Guidelines, 2015. Collection method: clinical testing. Allele origin: germline.

NM_001171.6(ABCC6):c.4377C>G (p.Arg1459=)

Genes: ABCC6 (ATP binding cassette subfamily C member 6; minus strand), LOC125146421 (Sharpr-MPRA regulatory region 15590; plus strand). Cytogenetic location: 16p13.11.
Variant type: single nucleotide variant.
Coding change: c.4377C>G on transcript NM_001171.6 (MANE Select); coding-DNA position 4377, C replaced by G.
Protein change: p.Arg1459=; no amino-acid change (arginine 1459 retained).
Molecular consequence: synonymous variant. On other transcripts: non-coding transcript variant (1).
Genome position (GRCh38, 1-based): chr16:16,150,604, G>C on the plus strand (C>G on the coding strand, the complement: ABCC6 is on the minus strand). VCF-style: chr16-16150604-G-C. GRCh37 (hg19) VCF-style: chr16-16244461-G-C.
Other names: c.4035C>G, p.Arg1345= (NM_001351800.1); c.4377C>G (NM_001171.5).
Identifiers: ClinVar variation 1652239 (VCV001652239.10), dbSNP rs63750763, ClinGen allele CA7925215.